The following is an entry in ClinVar:

ClinVar aggregate classification (germline): Uncertain significance (1 of 4 stars; one submission).

Conditions:
Melnick-Needles syndrome (MNS). Also called: MELNICK-NEEDLES OSTEODYSPLASTY; OSTEODYSPLASTY OF MELNICK AND NEEDLES; Melnick-Needles Syndrome (FLNA-MNS). Identifiers: Orphanet 2484, MedGen C0025237, MONDO:0010650, OMIM 309350.
Frontometaphyseal dysplasia (FMD1). Identifiers: Orphanet 1826, MedGen C0265293, MONDO:0015942.
Heterotopia, periventricular, X-linked dominant (PVNH1). Also called: PERIVENTRICULAR NODULAR HETEROTOPIA 1; X-linked periventricular heterotopia; PERIVENTRICULAR NODULAR HETEROTOPIA 4; HETEROTOPIA, PERIVENTRICULAR, 1. Identifiers: Orphanet 2149, Orphanet 82004, MedGen C1848213, MONDO:0010233, OMIM 300049.
Oto-palato-digital syndrome, type II (OPD2). Also called: FACIOPALATOOSSEOUS SYNDROME; OPD II SYNDROME; Otopalatodigital Syndrome, Type II; Otopalatodigital Syndrome Type 2 (FLNA-OPD2). Identifiers: Orphanet 669, Orphanet 90652, MedGen C1844696, MONDO:0010571, OMIM 304120.

gnomAD v4.1: 4 of 1,211,709 alleles (0.00033%); highest among the groups gnomAD compares: South Asian, 0.0053%; no homozygotes.

Submission:

Labcorp Genetics (formerly Invitae), Labcorp
Classification: Uncertain significance for Oto-palato-digital syndrome, type II; Heterotopia, periventricular, X-linked dominant; Frontometaphyseal dysplasia; Melnick-Needles syndrome. Last evaluated: 2024-04-09. Review status: criteria provided, single submitter. Criteria: Invitae Variant Classification Sherloc (09022015). Collection method: clinical testing. Allele origin: germline.
Comment: This sequence change replaces valine, which is neutral and non-polar, with leucine, which is neutral and non-polar, at codon 495 of the FLNA protein (p.Val495Leu). This variant is present in population databases (rs782653547, gnomAD 0.005%). This variant has not been reported in the literature in individuals affected with FLNA-related conditions. Advanced modeling of protein sequence and biophysical properties (such as structural, functional, and spatial information, amino acid conservation, physicochemical variation, residue mobility, and thermodynamic stability) performed at Invitae indicates that this missense variant is not expected to disrupt FLNA protein function with a negative predictive value of 95%. In summary, the available evidence is currently insufficient to determine the role of this variant in disease. Therefore, it has been classified as a Variant of Uncertain Significance.

NM_001110556.2(FLNA):c.1483G>T (p.Val495Leu)

Gene: FLNA (filamin A; minus strand). Cytogenetic location: Xq28.
Variant type: single nucleotide variant.
Coding change: c.1483G>T on transcript NM_001110556.2 (MANE Select); coding-DNA position 1483, G replaced by T.
Protein change: p.Val495Leu; replaces valine 495 with leucine.
Molecular consequence: missense variant.
Genome position (GRCh38, 1-based): chrX:154,365,433, C>A on the plus strand (G>T on the coding strand, the complement: FLNA is on the minus strand). VCF-style: chrX-154365433-C-A. GRCh37 (hg19) VCF-style: chrX-153593801-C-A.
Other names: c.1483G>T, p.Val495Leu (NM_001456.4); short protein forms V495L.
Identifiers: ClinVar variation 3761675 (VCV003761675.2).
Genomic context (GRCh38, chrX:154,365,433, plus strand): 5'-GCTCCCCACTGCCAGCGCCCTTTGTGTACACCTTGAAGTCAGCTGTCTCCTTCACCCGCA[C>A]ACCCTTGGGCTGGAGGCCCCGGCCAACCGCCCGGCAGGCACTCGGGTTACAGGCTGCAGG-3'
Protein context (NP_001104026.1, residues 485-505): AVGRGLQPKG[Val495Leu]RVKETADFKV